The following is an entry in ClinVar:

NM_000059.4(BRCA2):c.5651T>G (p.Ile1884Ser)

Gene: BRCA2 (BRCA2 DNA repair associated; plus strand). Cytogenetic location: 13q13.1.
Variant type: single nucleotide variant.
Coding change: c.5651T>G on transcript NM_000059.4 (MANE Select); coding-DNA position 5651, T replaced by G.
Protein change: p.Ile1884Ser; replaces isoleucine 1884 with serine.
Molecular consequence: missense variant.
Genome position (GRCh38, 1-based): chr13:32,340,006, T>G. VCF-style: chr13-32340006-T-G. GRCh37 (hg19) VCF-style: chr13-32914143-T-G.
Other names: short protein forms I1884S.
Identifiers: ClinVar variation 577082 (VCV000577082.8), dbSNP rs80358788, ClinGen allele CA387786162.
Genomic context (GRCh38, chr13:32,340,006, plus strand): 5'-ACATATTTACAGACAGTTTCAGTAAAGTAATTAAGGAAAACAACGAGAATAAATCAAAAA[T>G]TTGCCAAACGAAAATTATGGCAGGTTGTTACGAGGCATTGGATGATTCAGAGGATATTCT-3'
Protein context (NP_000050.3, residues 1874-1894): IKENNENKSK[Ile1884Ser]CQTKIMAGCY

ClinVar aggregate classification (germline): Conflicting classifications of pathogenicity. Review status: criteria provided, conflicting classifications (1 of 4 stars). 2 submissions from 2 submitters: Uncertain significance (1); Likely benign (1). Last evaluated 2023-03-23.

Conditions:
Hereditary breast ovarian cancer syndrome. Also called: Hereditary breast and ovarian cancer; Breast and ovarian cancer; Hereditary breast and ovarian cancer syndrome; BRCA1- and BRCA2-Associated Hereditary Breast and Ovarian Cancer; Hereditary breast and/or ovarian cancer syndrome; Hereditary breast and ovarian cancer syndrome (HBOC). Identifiers: Orphanet 145, MedGen C0677776, MeSH D061325, MONDO:0003582. Disease mechanism: loss of function.
Hereditary cancer-predisposing syndrome. Also called: Tumor predisposition; Hereditary neoplastic syndrome; Hereditary Cancer Syndrome; Neoplastic Syndromes, Hereditary. Identifiers: Orphanet 140162, MedGen C0027672, MeSH D009386, MONDO:0015356.

Submissions (2):

University of Washington Department of Laboratory Medicine, University of Washington
Classification: Likely benign for Hereditary cancer-predisposing syndrome. Last evaluated: 2023-03-23. Review status: criteria provided, single submitter. Criteria: Dines et al. (Genet Med. 2020). Collection method: curation. Allele origin: germline.
Comment: Missense variant in a coldspot region where missense variants are very unlikely to be pathogenic (PMID:31911673).

BRCA2 exon 11 coldspot. Reclassification based on statistical prior probability.

Labcorp Genetics (formerly Invitae), Labcorp
Classification: Uncertain significance for Hereditary breast ovarian cancer syndrome. Last evaluated: 2021-12-07. Review status: criteria provided, single submitter. Criteria: Invitae Variant Classification Sherloc (09022015). Collection method: clinical testing. Allele origin: germline.
Comment: In summary, the available evidence is currently insufficient to determine the role of this variant in disease. Therefore, it has been classified as a Variant of Uncertain Significance. Advanced modeling of protein sequence and biophysical properties (such as structural, functional, and spatial information, amino acid conservation, physicochemical variation, residue mobility, and thermodynamic stability) performed at Invitae indicates that this missense variant is not expected to disrupt BRCA2 protein function. ClinVar contains an entry for this variant (Variation ID: 577082). This variant has not been reported in the literature in individuals affected with BRCA2-related conditions. This variant is not present in population databases (gnomAD no frequency). This sequence change replaces isoleucine, which is neutral and non-polar, with serine, which is neutral and polar, at codon 1884 of the BRCA2 protein (p.Ile1884Ser).